The following is an entry in ClinVar:

ClinVar aggregate classification (germline): Uncertain significance (1 of 4 stars; one submission).

Submission:

Labcorp Genetics (formerly Invitae), Labcorp
Classification: Uncertain significance. Last evaluated: 2023-05-20. Review status: criteria provided, single submitter. Criteria: Invitae Variant Classification Sherloc (09022015). Collection method: clinical testing. Allele origin: unknown.
Comment: This variant results in a copy number gain of the genomic region encompassing exon(s) 1-25 of the TONSL gene. This region includes the initiator codon of the gene. This copy number gain extends beyond the assayed region for this gene and therefore may encompass additional genes. As the precise location of this event is unknown, it may be in tandem or it may be located elsewhere in the genome. This variant has not been reported in the literature in individuals affected with TONSL-related conditions. Experimental studies and prediction algorithms are not available or were not evaluated, and the functional significance of this variant is currently unknown. In summary, the available evidence is currently insufficient to determine the role of this variant in disease. Therefore, it has been classified as a Variant of Uncertain Significance.

NC_000008.10:g.(?_145655767)_(145669797_?)dup

Gene: TONSL (tonsoku like, DNA repair protein; minus strand). Cytogenetic location: 8q24.3.
Variant type: Duplication.
Identifiers: ClinVar variation 3245581 (VCV003245581.1).